The following is an entry in ClinVar:

ClinVar aggregate classification (germline): Uncertain significance (1 of 4 stars; one submission).

gnomAD v4.1: 22 of 1,199,622 alleles (0.0018%); highest among the groups gnomAD compares: Non-Finnish European, 0.00079%; no homozygotes.

Submission:

GeneDx
Classification: Uncertain significance. Last evaluated: 2026-04-11. Review status: criteria provided, single submitter. Criteria: GeneDx Variant Classification Process June 2021. Collection method: clinical testing. Allele origin: germline.
Comment: In silico analysis suggests that this missense variant does not alter protein structure/function; Has not been previously published as pathogenic or benign to our knowledge

NM_002025.4(AFF2):c.124G>A (p.Asp42Asn)

Gene: AFF2 (ALF transcription elongation factor 2; plus strand). Cytogenetic location: Xq28.
Variant type: single nucleotide variant.
Coding change: c.124G>A on transcript NM_002025.4 (MANE Select); coding-DNA position 124, G replaced by A.
Protein change: p.Asp42Asn; replaces aspartic acid 42 with asparagine.
Molecular consequence: missense variant.
Genome position (GRCh38, 1-based): chrX:148,652,075, G>A. VCF-style: chrX-148652075-G-A. GRCh37 (hg19) VCF-style: chrX-147733596-G-A.
Other names: c.124G>A, p.Asp42Asn (NM_001169122.2, NM_001169123.2, NM_001169124.2 and 1 more transcripts); short protein forms D42N.
Identifiers: ClinVar variation 4531122 (VCV004531122.2).